The following is an entry in ClinVar:

NM_001377299.1(NDUFS2):c.146G>A (p.Gly49Glu)

Gene: NDUFS2 (NADH:ubiquinone oxidoreductase core subunit S2; plus strand). Cytogenetic location: 1q23.3.
Variant type: single nucleotide variant.
Coding change: c.146G>A on transcript NM_001377299.1 (MANE Select); coding-DNA position 146, G replaced by A.
Protein change: p.Gly49Glu; replaces glycine 49 with glutamic acid.
Molecular consequence: missense variant. On other transcripts: non-coding transcript variant (1).
Genome position (GRCh38, 1-based): chr1:161,203,487, G>A. VCF-style: chr1-161203487-G-A. GRCh37 (hg19) VCF-style: chr1-161173277-G-A.
Other names: c.146G>A, p.Gly49Glu (NM_001377300.1, NM_001377301.1, NM_001377302.1 and 4 more transcripts); c.146G>A (NM_004550.4); short protein forms G49E.
Identifiers: ClinVar variation 2170214 (VCV002170214.2), dbSNP rs766135010, ClinGen allele CA1208488.

ClinVar aggregate classification (germline): Uncertain significance. Review status: criteria provided, multiple submitters, no conflicts (2 of 4 stars). 2 submissions from 2 submitters: Uncertain significance (2). Last evaluated 2024-11-11.

Conditions:
Inborn genetic diseases. Identifiers: MedGen C0950123, MeSH D030342.

Allele frequency attached by ClinVar (database versions not stated): gnomAD 0.00001; TOPMed 0.00001; ExAC 0.00002; gnomAD exomes 0.00002.
gnomAD v4.1: 11 of 1,614,006 alleles (0.00068%); highest among the groups gnomAD compares: Admixed American, 0.018%; no homozygotes.

Submissions (2):

Ambry Genetics
Classification: Uncertain significance for Inborn genetic diseases. Last evaluated: 2024-11-11. Review status: criteria provided, single submitter. Criteria: Ambry Variant Classification Scheme 2023. Collection method: clinical testing. Allele origin: germline.

Labcorp Genetics (formerly Invitae), Labcorp
Classification: Uncertain significance. Last evaluated: 2022-08-13. Review status: criteria provided, single submitter. Criteria: Invitae Variant Classification Sherloc (09022015). Collection method: clinical testing. Allele origin: germline.
Comment: This sequence change replaces glycine, which is neutral and non-polar, with glutamic acid, which is acidic and polar, at codon 49 of the NDUFS2 protein (p.Gly49Glu). This variant is present in population databases (rs766135010, gnomAD 0.03%). This variant has not been reported in the literature in individuals affected with NDUFS2-related conditions. Algorithms developed to predict the effect of missense changes on protein structure and function are either unavailable or do not agree on the potential impact of this missense change (SIFT: "Deleterious"; PolyPhen-2: "Benign"; Align-GVGD: "Class C0"). In summary, the available evidence is currently insufficient to determine the role of this variant in disease. Therefore, it has been classified as a Variant of Uncertain Significance.